The following is an entry in ClinVar:

NM_005909.5(MAP1B):c.3879_3882del (p.Val1294fs)

Gene: MAP1B (microtubule associated protein 1B; plus strand). Cytogenetic location: 5q13.2.
Variant type: Deletion.
Coding change: c.3879_3882del on transcript NM_005909.5 (MANE Select); coding-DNA positions 3879 to 3882, 4 bases deleted (AGTA; older notation c.3879_3882delAGTA).
Protein change: p.Val1294fs; shifts the reading frame from valine 1294.
Molecular consequence: frameshift variant.
Genome position (GRCh38, 1-based): chr5:72,197,234-72,197,237, AGTA deleted; deleting any 4 consecutive bases within chr5:72,197,233-72,197,237 gives the same sequence; the c. name uses the placement nearest the transcript's 3' end. VCF-style (leftmost placement, unchanged base first): chr5-72197232-GAAGT-G. GRCh37 (hg19) VCF-style: chr5-71493059-GAAGT-G.
Other names: c.3501_3504del, p.Val1168fs (NM_001324255.2); short protein forms V1168fs, V1294fs.
Identifiers: ClinVar variation 1312081 (VCV001312081.3), dbSNP rs2112238696, ClinGen allele CA2573052526.

ClinVar aggregate classification (germline): Pathogenic (1 of 4 stars; one submission).

Submission:

GeneDx
Classification: Pathogenic. Last evaluated: 2023-07-07. Review status: criteria provided, single submitter. Criteria: GeneDx Variant Classification Process June 2021. Collection method: clinical testing. Allele origin: germline. Affected: yes.
Comment: Frameshift variant predicted to result in protein truncation or nonsense mediated decay in a gene for which loss of function is a known mechanism of disease; Not observed at significant frequency in large population cohorts (gnomAD); Has not been previously published as pathogenic or benign to our knowledge